The following is an entry in ClinVar:

NM_005515.4(MNX1):c.375CGC[15] (p.Ala129_Ala134dup)

Genes: MNX1 (motor neuron and pancreas homeobox 1; minus strand), LOC129999736 (ATAC-STARR-seq lymphoblastoid silent region 18858; plus strand). Cytogenetic location: 7q36.3.
Variant type: Microsatellite.
Coding change: c.375CGC[15] on transcript NM_005515.4 (MANE Select); 15 copies in a row of the 3-base unit CGC starting at c.375; the reference has nine copies in a row; six copies, 18 bases duplicated.
Protein change: p.Ala129_Ala134dup.
Molecular consequence: inframe insertion.
Genome position (GRCh38, 1-based): chr7:157,009,950-157,009,967, GCGGCGGCGGCGGCGGCG duplicated on the plus strand (CGCCGCCGCCGCCGCCGC on the coding strand, the reverse complement: MNX1 is on the minus strand); duplicating any 18 consecutive bases within chr7:157,009,950-157,009,978 gives the same sequence; the position shown is the placement nearest the transcript's 3' end. VCF-style (leftmost placement, unchanged base first): chr7-157009949-A-AGCGGCGGCGGCGGCGGCG. GRCh37 (hg19) VCF-style: chr7-156802643-A-AGCGGCGGCGGCGGCGGCG.
Identifiers: ClinVar variation 1372073 (VCV001372073.6), dbSNP rs548755417, ClinGen allele CA835795808.

ClinVar aggregate classification (germline): Uncertain significance (1 of 4 stars; one submission).

Submission:

Labcorp Genetics (formerly Invitae), Labcorp
Classification: Uncertain significance. Last evaluated: 2025-12-23. Review status: criteria provided, single submitter. Criteria: Invitae Variant Classification Sherloc (09022015). Collection method: clinical testing. Allele origin: germline.
Comment: This variant, c.384_401dup, results in the insertion of 6 amino acid(s) of the MNX1 protein (p.Ala129_Ala134dup), but otherwise preserves the integrity of the reading frame. The frequency data for this variant in the population databases is considered unreliable, as metrics indicate insufficient coverage at this position in the gnomAD database. This variant has not been reported in the literature in individuals affected with MNX1-related conditions. Experimental studies and prediction algorithms are not available or were not evaluated, and the functional significance of this variant is currently unknown. In summary, the available evidence is currently insufficient to determine the role of this variant in disease. Therefore, it has been classified as a Variant of Uncertain Significance.